The following is an entry in ClinVar:

ClinVar aggregate classification (germline): Likely benign (1 of 4 stars; one submission).

Allele frequency attached by ClinVar (database versions not stated): ExAC 0.00022; 1000 Genomes Project 30x 0.00422.

Submission:

CeGaT Center for Human Genetics Tuebingen
Classification: Likely benign. Last evaluated: 2024-06-01. Review status: criteria provided, single submitter. Criteria: CeGaT Center For Human Genetics Tuebingen Variant Classification Criteria Version 2. Collection method: clinical testing. Allele origin: germline. Affected: yes. Observed: 1 variant allele.
Comment: AHNAK2: BP4, BS2

NM_138420.4(AHNAK2):c.8602G>A (p.Ala2868Thr)

Gene: AHNAK2 (AHNAK nucleoprotein 2; minus strand). Cytogenetic location: 14q32.33.
Variant type: single nucleotide variant.
Coding change: c.8602G>A on transcript NM_138420.4 (MANE Select); coding-DNA position 8602, G replaced by A.
Protein change: p.Ala2868Thr; replaces alanine 2868 with threonine.
Molecular consequence: missense variant.
Genome position (GRCh38, 1-based): chr14:104,946,849, C>T on the plus strand (G>A on the coding strand, the complement: AHNAK2 is on the minus strand). VCF-style: chr14-104946849-C-T. GRCh37 (hg19) VCF-style: chr14-105413186-C-T.
Other names: c.8302G>A, p.Ala2768Thr (NM_001350929.2); short protein forms A2768T, A2868T.
Identifiers: ClinVar variation 3250574 (VCV003250574.18), dbSNP rs781609751.